The following is an entry in ClinVar:

NC_000009.12:g.134785996dup

Gene: COL5A1 (collagen type V alpha 1 chain; plus strand). Cytogenetic location: 9q34.3.
Variant type: Duplication.
Genome position: GRCh38 VCF-style: chr9-134785993-A-AG. GRCh37 (hg19) VCF-style: chr9-137677839-A-AG.
Identifiers: ClinVar variation 935013 (VCV000935013.9), dbSNP rs1837444858, ClinGen allele CA1139661317.

ClinVar aggregate classification (germline): Pathogenic (1 of 4 stars; one submission).

Conditions:
Ehlers-Danlos syndrome, classic type, 1 (EDSCL1). Also called: Ehlers-Danlos Syndrome, Classic Type, COL5A1-Related; EDS I; Ehlers-Danlos syndrome, type 1; EHLERS-DANLOS SYNDROME, GRAVIS TYPE; EHLERS-DANLOS SYNDROME, SEVERE CLASSIC TYPE. Identifiers: MedGen C0268335, MONDO:0019567, OMIM 130000.

Submission:

Labcorp Genetics (formerly Invitae), Labcorp
Classification: Pathogenic for Ehlers-Danlos syndrome, classic type, 1. Last evaluated: 2022-08-31. Review status: criteria provided, single submitter. Criteria: Invitae Variant Classification Sherloc (09022015). Collection method: clinical testing. Allele origin: germline.
Comment: For these reasons, this variant has been classified as Pathogenic. Algorithms developed to predict the effect of sequence changes on RNA splicing suggest that this variant may disrupt the consensus splice site. ClinVar contains an entry for this variant (Variation ID: 935013). This variant has not been reported in the literature in individuals affected with COL5A1-related conditions. This variant is not present in population databases (gnomAD no frequency). This sequence change creates a premature translational stop signal (p.Leu867Thrfs*54) in the COL5A1 gene. It is expected to result in an absent or disrupted protein product. Loss-of-function variants in COL5A1 are known to be pathogenic (PMID: 23587214).

Literature cited by the submitters: PubMed 23587214.